The following is an entry in ClinVar:

NM_001042492.3(NF1):c.6951G>A (p.Trp2317Ter)

Gene: NF1 (neurofibromin 1; plus strand). Cytogenetic location: 17q11.2.
Variant type: single nucleotide variant.
Coding change: c.6951G>A on transcript NM_001042492.3 (MANE Select); coding-DNA position 6951, G replaced by A.
Protein change: p.Trp2317Ter; replaces tryptophan 2317 with a stop codon.
Molecular consequence: nonsense.
Genome position (GRCh38, 1-based): chr17:31,340,534, G>A. VCF-style: chr17-31340534-G-A. GRCh37 (hg19) VCF-style: chr17-29667552-G-A.
Other names: c.6888G>A, p.Trp2296Ter (NM_000267.4); short protein forms W2296*, W2317*.
Identifiers: ClinVar variation 1918170 (VCV001918170.6), dbSNP rs2069790642, ClinGen allele CA399014905.

ClinVar aggregate classification (germline): Pathogenic. Review status: criteria provided, multiple submitters, no conflicts (2 of 4 stars). 2 submissions from 2 submitters: Pathogenic (2). Last evaluated 2025-06-05.

Conditions:
Neurofibromatosis, type 1 (NF1). Also called: Peripheral type neurofibromatosis; Neurofibromatosis, type I; NEUROFIBROMATOSIS, TYPE I, SOMATIC; VON RECKLINGHAUSEN DISEASE. Identifiers: Orphanet 636, MedGen C0027831, MONDO:0018975, OMIM 162200. Disease mechanism: loss of function.

Submissions (2):

NHS Central & South Genomic Laboratory Hub
Classification: Pathogenic for Neurofibromatosis type 1. Last evaluated: 2025-06-05. Review status: criteria provided, single submitter. Criteria: ACMG Guidelines, 2015. Collection method: clinical testing. Allele origin: germline. Affected: yes.

Labcorp Genetics (formerly Invitae), Labcorp
Classification: Pathogenic for Neurofibromatosis, type 1. Last evaluated: 2024-10-16. Review status: criteria provided, single submitter. Criteria: Invitae Variant Classification Sherloc (09022015). Collection method: clinical testing. Allele origin: germline.
Comment: This sequence change creates a premature translational stop signal (p.Trp2296*) in the NF1 gene. It is expected to result in an absent or disrupted protein product. Loss-of-function variants in NF1 are known to be pathogenic (PMID: 10712197, 23913538). This variant is not present in population databases (gnomAD no frequency). This premature translational stop signal has been observed in individual(s) with clinical suspicion of RASopathy (PMID: 31573083). ClinVar contains an entry for this variant (Variation ID: 1918170). For these reasons, this variant has been classified as Pathogenic.

Literature cited by the submitters: PubMed 10712197 (cited by Labcorp Genetics (formerly Invitae), Labcorp); PubMed 23913538 (cited by Labcorp Genetics (formerly Invitae), Labcorp); PubMed 31573083 (cited by Labcorp Genetics (formerly Invitae), Labcorp).